The following is an entry in ClinVar:

NM_018557.3(LRP1B):c.8663-28T>C

Gene: LRP1B (LDL receptor related protein 1B; minus strand). Cytogenetic location: 2q22.1.
Variant type: single nucleotide variant.
Coding change: c.8663-28T>C on transcript NM_018557.3 (MANE Select); 28 bases into the intron before coding-DNA position 8663, T replaced by C.
Molecular consequence: intron variant.
Genome position (GRCh38, 1-based): chr2:140,501,902, A>G on the plus strand (T>C on the coding strand, the complement: LRP1B is on the minus strand). VCF-style: chr2-140501902-A-G. GRCh37 (hg19) VCF-style: chr2-141259471-A-G.
Identifiers: ClinVar variation 2651385 (VCV002651385.24), dbSNP rs150816558, ClinGen allele CA1893910.

ClinVar aggregate classification (germline): Benign (1 of 4 stars; one submission).

Allele frequency attached by ClinVar (database versions not stated): 1000 Genomes Project 30x 0.00172; 1000 Genomes Project 0.00180; ESP Exome Variant Server 0.00185; gnomAD 0.00191; ExAC 0.00196; TOPMed 0.00227; gnomAD exomes 0.00231.
gnomAD v4.1: 3,501 of 1,531,476 alleles (0.23%); highest among the groups gnomAD compares: Middle Eastern, 0.73%; 8 homozygotes.

Submission:

CeGaT Center for Human Genetics Tuebingen
Classification: Benign. Last evaluated: 2022-11-01. Review status: criteria provided, single submitter. Criteria: CeGaT Center For Human Genetics Tuebingen Variant Classification Criteria Version 2. Collection method: clinical testing. Allele origin: germline. Affected: yes. Observed: 1 variant allele.
Comment: LRP1B: BS1, BS2